The following is an entry in ClinVar:

NM_014727.3(KMT2B):c.6022G>A (p.Val2008Ile)

Gene: KMT2B (lysine methyltransferase 2B; plus strand). Cytogenetic location: 19q13.12.
Variant type: single nucleotide variant.
Coding change: c.6022G>A on transcript NM_014727.3 (MANE Select); coding-DNA position 6022, G replaced by A.
Protein change: p.Val2008Ile; replaces valine 2008 with isoleucine.
Molecular consequence: missense variant.
Genome position (GRCh38, 1-based): chr19:35,732,571, G>A. VCF-style: chr19-35732571-G-A. GRCh37 (hg19) VCF-style: chr19-36223472-G-A.
Other names: c.6022G>A (NM_014727.2); short protein forms V2008I.
Identifiers: ClinVar variation 3649106 (VCV003649106.3).

ClinVar aggregate classification (germline): Uncertain significance. Review status: criteria provided, multiple submitters, no conflicts (2 of 4 stars). 2 submissions from 2 submitters: Uncertain significance (2). Last evaluated 2026-03-03.

Submissions (2):

GeneDx
Classification: Uncertain significance. Last evaluated: 2026-03-03. Review status: criteria provided, single submitter. Criteria: GeneDx Variant Classification Process June 2021. Collection method: clinical testing. Allele origin: germline.
Comment: Not observed at significant frequency in large population cohorts (gnomAD); In silico analysis suggests that this missense variant does not alter protein structure/function; Has not been previously published as pathogenic or benign to our knowledge

Labcorp Genetics (formerly Invitae), Labcorp
Classification: Uncertain significance. Last evaluated: 2024-04-07. Review status: criteria provided, single submitter. Criteria: Invitae Variant Classification Sherloc (09022015). Collection method: clinical testing. Allele origin: germline.
Comment: This sequence change replaces valine, which is neutral and non-polar, with isoleucine, which is neutral and non-polar, at codon 2008 of the KMT2B protein (p.Val2008Ile). This variant is not present in population databases (gnomAD no frequency). This variant has not been reported in the literature in individuals affected with KMT2B-related conditions. Advanced modeling of protein sequence and biophysical properties (such as structural, functional, and spatial information, amino acid conservation, physicochemical variation, residue mobility, and thermodynamic stability) performed at Invitae indicates that this missense variant is not expected to disrupt KMT2B protein function with a negative predictive value of 95%. In summary, the available evidence is currently insufficient to determine the role of this variant in disease. Therefore, it has been classified as a Variant of Uncertain Significance.